The following is an entry in ClinVar:

ClinVar aggregate classification (germline): Likely pathogenic (1 of 4 stars; one submission).

Conditions:
Usmani-Riazuddin syndrome, autosomal dominant (USRISD). Identifiers: MedGen C5561952, MONDO:0859174, OMIM 619467.

Submission:

Variantyx, Inc.
Classification: Likely pathogenic for Usmani-Riazuddin syndrome, autosomal dominant. Last evaluated: 2025-06-15. Review status: criteria provided, single submitter. Criteria: Variantyx Assertion Criteria 2022. Collection method: clinical testing. Allele origin: germline. Inheritance: Autosomal dominant inheritance. Affected: yes.
Comment: This is a nonsense variant in the AP1G1 gene (OMIM: 603533). Pathogenic variants in this gene have been associated with autosomal dominant Usmani-Riazuddin syndrome. This variant introduces a premature termination codon in exon 8 out of 23 and is expected to result in loss of function, which is a known disease mechanism for AP1G1 in this disorder (PMID: 34102099) (PVS1). This variant is absent from control populations (PM2). and it has not been reported in individuals with AP1G1-related disorders in the databases available for review. Based on the current evidence, this variant is classified as likely pathogenic for autosomal dominant Usmani-Riazuddin syndrome.

Literature cited by the submitters: PubMed 34102099.

NM_001128.6(AP1G1):c.817C>T (p.Gln273Ter)

Gene: AP1G1 (adaptor related protein complex 1 subunit gamma 1; minus strand). Cytogenetic location: 16q22.2.
Variant type: single nucleotide variant.
Coding change: c.817C>T on transcript NM_001128.6 (MANE Select); coding-DNA position 817, C replaced by T.
Protein change: p.Gln273Ter; replaces glutamine 273 with a stop codon.
Molecular consequence: nonsense.
Genome position (GRCh38, 1-based): chr16:71,764,648, G>A on the plus strand (C>T on the coding strand, the complement: AP1G1 is on the minus strand). VCF-style: chr16-71764648-G-A. GRCh37 (hg19) VCF-style: chr16-71798551-G-A.
Other names: c.826C>T, p.Gln276Ter (NM_001030007.2); short protein forms Q273*, Q276*.
Identifiers: ClinVar variation 4850052 (VCV004850052.1).